The following is an entry in ClinVar:

NM_003742.4(ABCB11):c.77-1G>C

Gene: ABCB11 (ATP binding cassette subfamily B member 11; minus strand). Cytogenetic location: 2q31.1.
Variant type: single nucleotide variant.
Coding change: c.77-1G>C on transcript NM_003742.4 (MANE Select); the canonical splice acceptor site of the intron before coding-DNA position 77, G replaced by C.
Molecular consequence: splice acceptor variant.
Genome position (GRCh38, 1-based): chr2:169,016,800, C>G on the plus strand (G>C on the coding strand, the complement: ABCB11 is on the minus strand). VCF-style: chr2-169016800-C-G. GRCh37 (hg19) VCF-style: chr2-169873310-C-G.
Identifiers: ClinVar variation 4846722 (VCV004846722.1).

ClinVar aggregate classification (germline): Likely pathogenic (1 of 4 stars; one submission).

Conditions:
Familial intrahepatic cholestasis. Identifiers: Orphanet 284385, MedGen CN296401, MONDO:0017290.

Submission:

Genomenon, Inc
Classification: Likely pathogenic for Familial intrahepatic cholestasis. Last evaluated: 2026-04-14. Review status: criteria provided, single submitter. Criteria: Genomenon Sequence Variant Interpretation Standards - Updated. Collection method: curation. Allele origin: germline. Affected: no.
Comment: ABCB11 c.77-1G>C is a canonical splice variant affecting the acceptor splice site of intron 2. It is predicted to affect mRNA splicing, leading to a deleterious effect on the ABCB11 protein. This variant has been reported in the published literature (PMID:28733223;22795478;27114171). It is absent or not present at a significant frequency in gnomAD. In conclusion, we classify ABCB11 c.77-1G>C as a likely pathogenic variant.

Literature cited by the submitters: PubMed 28733223; PubMed 22795478; PubMed 27114171.